The following is an entry in ClinVar:

ClinVar aggregate classification (germline): Uncertain significance. Review status: criteria provided, multiple submitters, no conflicts (2 of 4 stars). 3 submissions from 3 submitters: Uncertain significance (2). 1 of the submissions does not count toward it. Last evaluated 2025-02-10.

Conditions:
QARS1-related disorder. Also called: QARS1-related condition.
Diffuse cerebral and cerebellar atrophy - intractable seizures - progressive microcephaly syndrome. Also called: Microcephaly, progressive, with seizures and cerebral and cerebellar atrophy. Identifiers: Orphanet 404437, MedGen C4014239, MONDO:0014335, OMIM 615760.

Allele frequency attached by ClinVar (database versions not stated): gnomAD exomes 0.00001; ExAC 0.00002; gnomAD 0.00002; TOPMed 0.00004.

Submissions (3):

Labcorp Genetics (formerly Invitae), Labcorp
Classification: Uncertain significance for Diffuse cerebral and cerebellar atrophy - intractable seizures - progressive microcephaly syndrome. Last evaluated: 2025-02-10. Review status: criteria provided, single submitter. Criteria: Invitae Variant Classification Sherloc (09022015). Collection method: clinical testing. Allele origin: germline.
Comment: This sequence change falls in intron 1 of the QARS gene. It does not directly change the encoded amino acid sequence of the QARS protein. It affects a nucleotide within the consensus splice site. This variant is present in population databases (rs749708983, gnomAD 0.01%). This variant has not been reported in the literature in individuals affected with QARS-related conditions. ClinVar contains an entry for this variant (Variation ID: 240089). Variants that disrupt the consensus splice site are a relatively common cause of aberrant splicing (PMID: 17576681, 9536098). Algorithms developed to predict the effect of sequence changes on RNA splicing suggest that this variant is not likely to affect RNA splicing. In summary, the available evidence is currently insufficient to determine the role of this variant in disease. Therefore, it has been classified as a Variant of Uncertain Significance.

GeneDx
Classification: Uncertain significance. Last evaluated: 2023-12-01. Review status: criteria provided, single submitter. Criteria: GeneDx Variant Classification Process June 2021. Collection method: clinical testing. Allele origin: germline. Affected: yes.
Comment: Not observed at significant frequency in large population cohorts (gnomAD); In silico analysis supports a deleterious effect on splicing; Has not been previously published as pathogenic or benign to our knowledge

PreventionGenetics, part of Exact Sciences
Classification: Likely benign for QARS1-related condition. Last evaluated: 2019-02-25. Review status: no assertion criteria provided. Collection method: clinical testing. Allele origin: germline. Not counted in ClinVar's aggregate classification.
Comment: This variant is classified as likely benign based on ACMG/AMP sequence variant interpretation guidelines (Richards et al. 2015 PMID: 25741868, with internal and published modifications).

Literature cited by the submitters: PubMed 17576681 (cited by Labcorp Genetics (formerly Invitae), Labcorp); PubMed 9536098 (cited by Labcorp Genetics (formerly Invitae), Labcorp).

NM_005051.3(QARS1):c.117+4C>T

Genes: QARS1 (glutaminyl-tRNA synthetase 1; minus strand), LOC129936736 (ATAC-STARR-seq lymphoblastoid active region 19853; plus strand). Cytogenetic location: 3p21.31.
Variant type: single nucleotide variant.
Coding change: c.117+4C>T on transcript NM_005051.3 (MANE Select); 4 bases into the intron after coding-DNA position 117, C replaced by T.
Molecular consequence: intron variant.
Genome position (GRCh38, 1-based): chr3:49,104,613, G>A on the plus strand (C>T on the coding strand, the complement: QARS1 is on the minus strand). VCF-style: chr3-49104613-G-A. GRCh37 (hg19) VCF-style: chr3-49142046-G-A.
Other names: c.117+4C>T (NM_001272073.2).
Identifiers: ClinVar variation 240089 (VCV000240089.9), dbSNP rs749708983, ClinGen allele CA2392319.